The following is an entry in ClinVar:

ClinVar aggregate classification (germline): Uncertain significance. Review status: criteria provided, multiple submitters, no conflicts (2 of 4 stars). 3 submissions from 3 submitters: Uncertain significance (3). Last evaluated 2025-12-23.

Conditions:
Hereditary cancer-predisposing syndrome. Also called: Neoplastic Syndromes, Hereditary; Hereditary Cancer Syndrome; Hereditary neoplastic syndrome; Tumor predisposition. Identifiers: Orphanet 140162, MedGen C0027672, MeSH D009386, MONDO:0015356.

Allele frequency attached by ClinVar (database versions not stated): gnomAD exomes below 0.00001 and 0.00002; ExAC 0.00001; gnomAD 0.00003; TOPMed 0.00003.
gnomAD v4.1: 9 of 1,613,884 alleles (0.00056%); highest among the groups gnomAD compares: African/African-American, 0.0067%; no homozygotes.

Submissions (3):

Labcorp Genetics (formerly Invitae), Labcorp
Classification: Uncertain significance. Last evaluated: 2025-12-23. Review status: criteria provided, single submitter. Criteria: Invitae Variant Classification Sherloc (09022015). Collection method: clinical testing. Allele origin: germline.
Comment: This sequence change replaces arginine, which is basic and polar, with glutamine, which is neutral and polar, at codon 559 of the POLE protein (p.Arg559Gln). This variant is present in population databases (rs766276875, gnomAD 0.03%). This missense change has been observed in individual(s) with prostate cancer (PMID: 27701467). ClinVar contains an entry for this variant (Variation ID: 540798). Invitae Evidence Modeling of protein sequence and biophysical properties (such as structural, functional, and spatial information, amino acid conservation, physicochemical variation, residue mobility, and thermodynamic stability) indicates that this missense variant is not expected to disrupt POLE protein function with a negative predictive value of 80%. RNA analysis performed to evaluate the impact of this missense change on mRNA splicing indicates it does not significantly alter splicing (internal data). In summary, the available evidence is currently insufficient to determine the role of this variant in disease. Therefore, it has been classified as a Variant of Uncertain Significance.

GeneDx
Classification: Uncertain significance. Last evaluated: 2025-01-27. Review status: criteria provided, single submitter. Criteria: GeneDx Variant Classification Process June 2021. Collection method: clinical testing. Allele origin: germline. Affected: yes.
Comment: Not observed at significant frequency in large population cohorts (gnomAD); In silico analysis supports that this missense variant has a deleterious effect on protein structure/function; Observed in individuals with prostate cancer (PMID: 27701467); This variant is associated with the following publications: (PMID: 20951805, 27701467)

Ambry Genetics
Classification: Uncertain significance for Hereditary cancer-predisposing syndrome. Last evaluated: 2024-12-31. Review status: criteria provided, single submitter. Criteria: Ambry Variant Classification Scheme 2023. Collection method: clinical testing. Allele origin: germline.
Comment: The p.R559Q variant (also known as c.1676G>A), located in coding exon 15 of the POLE gene, results from a G to A substitution at nucleotide position 1676. The arginine at codon 559 is replaced by glutamine, an amino acid with highly similar properties. This amino acid position is highly conserved in available vertebrate species. In addition, the in silico prediction for this alteration is inconclusive. Based on the available evidence, the clinical significance of this variant remains unclear.

Literature cited by the submitters: PubMed 27701467 (cited by Labcorp Genetics (formerly Invitae), Labcorp).

NM_006231.4(POLE):c.1676G>A (p.Arg559Gln)

Gene: POLE (DNA polymerase epsilon, catalytic subunit; minus strand). Cytogenetic location: 12q24.33.
Variant type: single nucleotide variant.
Coding change: c.1676G>A on transcript NM_006231.4 (MANE Select); coding-DNA position 1676, G replaced by A.
Protein change: p.Arg559Gln; replaces arginine 559 with glutamine.
Molecular consequence: missense variant.
Genome position (GRCh38, 1-based): chr12:132,672,637, C>T on the plus strand (G>A on the coding strand, the complement: POLE is on the minus strand). VCF-style: chr12-132672637-C-T. GRCh37 (hg19) VCF-style: chr12-133249223-C-T.
Other names: short protein forms R559Q.
Identifiers: ClinVar variation 540798 (VCV000540798.17), dbSNP rs766276875, ClinGen allele CA6893887.
Genomic context (GRCh38, chr12:132,672,637, plus strand): 5'-TACCACAGCACAAGAGTGGGAAGAATCTGAATCCCAGGGAAGAAGCACACCATCCTAAAC[C>T]GGCAAGGGATATCGCTGCGGAAAACCCCAGACTCGAGGGCCTCCACGTGGCCCCCGACGT-3'
Protein context (NP_006222.2, residues 549-569): SGVFRSDIPC[Arg559Gln]FRMNPAAFDF